The following is an entry in ClinVar:

ClinVar aggregate classification (germline): Uncertain significance. Review status: criteria provided, multiple submitters, no conflicts (2 of 4 stars). 3 submissions from 3 submitters: Uncertain significance (2). 1 of the submissions does not count toward it. Last evaluated 2025-09-08.

Conditions:
Fabry disease. Also called: Angiokeratoma corporis diffusum; Fabry's disease; ALPHA-GALACTOSIDASE A DEFICIENCY; ANDERSON-FABRY DISEASE; CERAMIDE TRIHEXOSIDASE DEFICIENCY; GLA DEFICIENCY. Identifiers: Orphanet 324, MedGen C0002986, MONDO:0010526, OMIM 301500, HP:0001071. Disease mechanism: Fabry disease is due to inactivating mutations in the X-linked GLA gene resulting in deficiency of the enzyme Alpha Galactosidase-A., loss of function.

gnomAD v4.1: 1 of 1,209,869 alleles (0.000083%); highest among the groups gnomAD compares: African/African-American, 0.0017%; no homozygotes.

Submissions (3):

Color Diagnostics, LLC DBA Color Health
Classification: Uncertain significance for Fabry disease. Last evaluated: 2025-09-08. Review status: criteria provided, single submitter. Criteria: ACMG Guidelines, 2015. Collection method: clinical testing. Allele origin: germline.
Comment: This variant is located in the GLA protein. To our knowledge, functional studies have not been reported for this variant. This variant has not been reported in individuals affected with GLA-related disorders in the literature. This variant has not been identified in the general population by the Genome Aggregation Database (gnomAD). The available evidence is insufficient to determine the role of this variant in disease conclusively. Therefore, this variant is classified as a Variant of Uncertain Significance.

Labcorp Genetics (formerly Invitae), Labcorp
Classification: Uncertain significance for Fabry disease. Last evaluated: 2024-08-11. Review status: criteria provided, single submitter. Criteria: Invitae Variant Classification Sherloc (09022015). Collection method: clinical testing. Allele origin: germline.
Comment: This sequence change affects codon 116 of the GLA mRNA. It is a 'silent' change, meaning that it does not change the encoded amino acid sequence of the GLA protein. This variant is not present in population databases (gnomAD no frequency). This variant has not been reported in the literature in individuals affected with GLA-related conditions. Algorithms developed to predict the effect of sequence changes on RNA splicing suggest that this variant may create or strengthen a splice site. In summary, the available evidence is currently insufficient to determine the role of this variant in disease. Therefore, it has been classified as a Variant of Uncertain Significance.

Natera, Inc.
Classification: Uncertain significance for Fabry disease. Last evaluated: 2025-04-19. Review status: no assertion criteria provided. Collection method: clinical testing. Allele origin: germline. Not counted in ClinVar's aggregate classification.

NM_000169.3(GLA):c.348G>T (p.Gly116=)

Genes: GLA (galactosidase alpha; minus strand), RPL36A-HNRNPH2 (RPL36A-HNRNPH2 readthrough; plus strand). Cytogenetic location: Xq22.1.
Variant type: single nucleotide variant.
Coding change: c.348G>T on transcript NM_000169.3 (MANE Select); coding-DNA position 348, G replaced by T.
Protein change: p.Gly116=; no amino-acid change (glycine 116 retained).
Molecular consequence: synonymous variant. On other transcripts: non-coding transcript variant (3), intron variant (2).
Genome position (GRCh38, 1-based): chrX:101,403,832, C>A on the plus strand (G>T on the coding strand, the complement: GLA is on the minus strand). VCF-style: chrX-101403832-C-A. GRCh37 (hg19) VCF-style: chrX-100658820-C-A.
Other names: c.471G>T, p.Gly157= (NM_001406747.1, NM_001406749.1); c.348G>T, p.Gly116= (NM_001406748.1); c.301-8104C>A (NM_001199973.2); c.178-8104C>A (NM_001199974.2).
Identifiers: ClinVar variation 3606899 (VCV003606899.3).